The following is an entry in ClinVar:

NM_001112.4(ADARB1):c.326_329del (p.Phe109fs)

Gene: ADARB1 (adenosine deaminase RNA specific B1; plus strand). Cytogenetic location: 21q22.3.
Variant type: Microsatellite.
Coding change: c.326_329del on transcript NM_001112.4 (MANE Select); coding-DNA positions 326 to 329, 4 bases deleted (TTGT; older notation c.326_329delTTGT).
Protein change: p.Phe109fs; shifts the reading frame from phenylalanine 109.
Molecular consequence: frameshift variant. On other transcripts: non-coding transcript variant (4).
Genome position (GRCh38, 1-based): chr21:45,176,027-45,176,030, TTGT deleted; deleting any 4 consecutive bases within chr21:45,176,022-45,176,030 gives the same sequence; the c. name uses the placement nearest the transcript's 3' end. VCF-style (leftmost placement, unchanged base first): chr21-45176021-CTTTG-C. GRCh37 (hg19) VCF-style: chr21-46595936-CTTTG-C.
Other names: c.326_329del, p.Phe109fs (NM_001346688.2, NM_015833.4, NM_015834.4 and 1 more transcripts); c.473_476del, p.Phe158fs (NM_001410722.1, NM_001346687.2); short protein forms F109fs, F158fs.
Identifiers: ClinVar variation 4852726 (VCV004852726.2).
Genomic context (GRCh38, chr21:45,176,021, plus strand): 5'-ATGAGATCAAGCCTGGTTTGCAGTACACACTCCTGTCCCAGACTGGGCCCGTGCACGCGC[CTTTG>C]TTTGTCATGTCTGTGGAGGTGAATGGCCAGGTTTTTGAGGGCTCTGGTCCCACAAAGAAA-3'

ClinVar aggregate classification (germline): Uncertain significance (1 of 4 stars; one submission).

Submission:

Dasa
Classification: Uncertain significance. Last evaluated: 2025-06-04. Review status: criteria provided, single submitter. Criteria: DASA Assertion Criteria. Collection method: clinical testing. Allele origin: germline.
Comment: NM_001112.4(ADARB1):c.326_329del (p.Phe109Serfs*6) is a frameshift variant in ADARB1 predicted to alter the reading frame and introduce a premature termination codon. This variant is absent from population databases. The currently available literature and clinical evidence are not sufficient to establish a definitive association between this variant and the reported condition. Therefore, this variant is classified as a variant of uncertain significance.